The following is an entry in ClinVar:

ClinVar aggregate classification (germline): Uncertain significance (1 of 4 stars; one submission).

gnomAD v4.1: 5 of 1,613,964 alleles (0.00031%); highest among the groups gnomAD compares: South Asian, 0.0055%; no homozygotes.

Submission:

Women's Health and Genetics/Laboratory Corporation of America, LabCorp
Classification: Uncertain significance. Last evaluated: 2025-02-17. Review status: criteria provided, single submitter. Criteria: LabCorp Variant Classification Summary - May 2015. Collection method: clinical testing. Allele origin: germline.
Comment: Variant summary: TRMU c.1028T>C (p.Val343Ala) results in a non-conservative amino acid change located in the aminomethyltransferase beta-barrel domain (IPR046885) of the encoded protein sequence. Three of five in-silico tools predict a benign effect of the variant on protein function. The variant was absent in 251126 control chromosomes. The available data on variant occurrences in the general population are insufficient to allow any conclusion about variant significance. c.1028T>C has been reported in the literature in at least one heterozygous individual with infantile hepatopathy (e.g., Deshmukh_2020). However, these report(s) do not provide unequivocal conclusions about association of the variant with Liver Failure Acute Infantile, Transient. To our knowledge, no experimental evidence demonstrating an impact on protein function has been reported. No submitters have cited clinical-significance assessments for this variant to ClinVar. Based on the evidence outlined above, the variant was classified as uncertain significance.

NM_018006.5(TRMU):c.1028T>C (p.Val343Ala)

Gene: TRMU (tRNA mitochondrial 2-thiouridylase; plus strand). Cytogenetic location: 22q13.31.
Variant type: single nucleotide variant.
Coding change: c.1028T>C on transcript NM_018006.5 (MANE Select); coding-DNA position 1028, T replaced by C.
Protein change: p.Val343Ala; replaces valine 343 with alanine.
Molecular consequence: missense variant. On other transcripts: non-coding transcript variant (2), intron variant (2).
Genome position (GRCh38, 1-based): chr22:46,355,999, T>C. VCF-style: chr22-46355999-T-C. GRCh37 (hg19) VCF-style: chr22-46751896-T-C.
Other names: c.686T>C, p.Val229Ala (NM_001282782.2); c.608T>C, p.Val203Ala (NM_001282783.2); c.1018+411T>C (NM_001282785.2); c.598+411T>C (NM_001282784.2); short protein forms V203A, V229A, V343A.
Identifiers: ClinVar variation 3769030 (VCV003769030.1).